The following is an entry in ClinVar:

ClinVar aggregate classification (germline): Pathogenic/Likely pathogenic. Review status: criteria provided, multiple submitters, no conflicts (2 of 4 stars). 2 submissions from 2 submitters: Pathogenic (1); Likely pathogenic (1). Last evaluated 2021-06-02.

Conditions:
Hereditary cancer-predisposing syndrome. Also called: Hereditary Cancer Syndrome; Neoplastic Syndromes, Hereditary; Tumor predisposition; Hereditary neoplastic syndrome. Identifiers: Orphanet 140162, MedGen C0027672, MeSH D009386, MONDO:0015356.

Submissions (2):

Ambry Genetics
Classification: Pathogenic for Hereditary cancer-predisposing syndrome. Last evaluated: 2021-06-02. Review status: criteria provided, single submitter. Criteria: Ambry Variant Classification Scheme 2023. Collection method: clinical testing. Allele origin: germline.
Comment: The c.676-1G>A intronic pathogenic mutation results from a G to A substitution one nucleotide upstream from coding exon 7 of the BMPR1A gene. This variant is considered to be rare based on population cohorts in the Genome Aggregation Database (gnomAD). In silico splice site analysis predicts that this alteration will weaken the native splice acceptor site and may result in the creation or strengthening of a novel splice acceptor site. Alterations that disrupt the canonical splice site are expected to cause aberrant splicing, resulting in an abnormal protein or a transcript that is subject to nonsense-mediated mRNA decay. As such, this alteration is classified as a disease-causing mutation.

Color Diagnostics, LLC DBA Color Health
Classification: Likely pathogenic for Hereditary cancer-predisposing syndrome. Last evaluated: 2020-04-08. Review status: criteria provided, single submitter. Criteria: ACMG Guidelines, 2015. Collection method: clinical testing. Allele origin: germline.
Comment: This variant causes a G to A nucleotide substitution at the -1 position of intron 8 of the BMPR1A gene. Splice site prediction tools suggest that this variant may have a significant impact on RNA splicing. Although this prediction has not been confirmed in published RNA studies, this variant is expected to result in an absent or disrupted protein product. To our knowledge, this variant has not been reported in individuals affected with hereditary cancer in the literature. This variant has not been identified in the general population by the Genome Aggregation Database (gnomAD). Loss of BMPR1A function is a known mechanism of disease. Based on the available evidence, this variant is classified as Likely Pathogenic.

NM_004329.3(BMPR1A):c.676-1G>A

Gene: BMPR1A (bone morphogenetic protein receptor type 1A; plus strand). Cytogenetic location: 10q23.2.
Variant type: single nucleotide variant.
Coding change: c.676-1G>A on transcript NM_004329.3 (MANE Select); the canonical splice acceptor site of the intron before coding-DNA position 676, G replaced by A.
Molecular consequence: splice acceptor variant. On other transcripts: intron variant (1).
Genome position (GRCh38, 1-based): chr10:86,917,133, G>A. VCF-style: chr10-86917133-G-A. GRCh37 (hg19) VCF-style: chr10-88676890-G-A.
Other names: c.676-1G>A (NM_001406562.1, NM_001406568.1, NM_001406567.1 and 19 more transcripts); c.592-1G>A (NM_001406584.1, NM_001406588.1, NM_001406587.1 and 2 more transcripts); c.724-1G>A (NM_001406560.1); c.751-1G>A (NM_001406559.1); c.676-7G>A (NM_001406583.1); c.334-1G>A (NM_001406589.1).
Identifiers: ClinVar variation 491010 (VCV000491010.7), dbSNP rs1554890734, ClinGen allele CA377456808.